The following is an entry in ClinVar:

NM_007083.5(NUDT6):c.6G>A (p.Arg2=)

Gene: NUDT6 (nudix hydrolase 6; minus strand). Cytogenetic location: 4q28.1.
Variant type: single nucleotide variant.
Coding change: c.6G>A on transcript NM_007083.5 (MANE Select); coding-DNA position 6, G replaced by A.
Protein change: p.Arg2=; no amino-acid change (arginine 2 retained).
Molecular consequence: synonymous variant. On other transcripts: intron variant (1).
Genome position (GRCh38, 1-based): chr4:122,922,567, C>T on the plus strand (G>A on the coding strand, the complement: NUDT6 is on the minus strand). VCF-style: chr4-122922567-C-T. GRCh37 (hg19) VCF-style: chr4-123843722-C-T.
Other names: c.-270+234G>A (NM_198041.3).
Identifiers: ClinVar variation 4979277 (VCV004979277.1).
Genomic context (GRCh38, chr4:122,922,567, plus strand): 5'-AGGCCCGGGGCCGTAGGTTCGGGCAAGCATCGCGCGCCAGCGGCCCCAGCTCAGTGGCTG[C>T]CGCATCTCCACGCCGCTTAATTCGTCCGTTGCCCAAATGACCCCTCCGCGCTCCAGAGCG-3'
Protein context (NP_009014.2, residues 1-12): M[Arg2=]QPLSWGRWRA

ClinVar aggregate classification (germline): Likely benign (1 of 4 stars; one submission).

Conditions:
NUDT6-related disorder. Also called: NUDT6-related condition.

gnomAD v4.1: 152 of 1,593,450 alleles (0.0095%); highest among the groups gnomAD compares: East Asian, 0.22%; 1 homozygote.

Submission:

PreventionGenetics, part of Exact Sciences
Classification: Likely benign for NUDT6-related condition. Last evaluated: 2026-04-29. Review status: criteria provided, single submitter. Criteria: ACMG Guidelines, 2015. Collection method: clinical testing. Allele origin: germline.
Comment: This variant is classified as likely benign based on ACMG/AMP sequence variant interpretation guidelines (Richards et al. 2015 PMID: 25741868, with internal and published modifications).